The following is an entry in ClinVar:

ClinVar aggregate classification (germline): Pathogenic (1 of 4 stars; one submission).

Submission:

GeneDx
Classification: Pathogenic. Last evaluated: 2022-07-15. Review status: criteria provided, single submitter. Criteria: GeneDx Variant Classification Process June 2021. Collection method: clinical testing. Allele origin: germline. Affected: yes.
Comment: Nonsense variant predicted to result in protein truncation or nonsense mediated decay in a gene for which loss of function is a known mechanism of disease; Not observed at significant frequency in large population cohorts (gnomAD); Has not been previously published as pathogenic or benign to our knowledge

NM_005618.4(DLL1):c.38C>A (p.Ser13Ter)

Gene: DLL1 (delta like canonical Notch ligand 1; minus strand). Cytogenetic location: 6q27.
Variant type: single nucleotide variant.
Coding change: c.38C>A on transcript NM_005618.4 (MANE Select); coding-DNA position 38, C replaced by A.
Protein change: p.Ser13Ter; replaces serine 13 with a stop codon.
Molecular consequence: nonsense.
Genome position (GRCh38, 1-based): chr6:170,290,102, G>T on the plus strand (C>A on the coding strand, the complement: DLL1 is on the minus strand). VCF-style: chr6-170290102-G-T. GRCh37 (hg19) VCF-style: chr6-170599190-G-T.
Other names: short protein forms S13*.
Identifiers: ClinVar variation 1878702 (VCV001878702.1), dbSNP rs752177638, ClinGen allele CA366510488.